The following is an entry in ClinVar:

NM_000138.5(FBN1):c.3076T>G (p.Phe1026Val)

Gene: FBN1 (fibrillin 1; minus strand). Cytogenetic location: 15q21.1.
Variant type: single nucleotide variant.
Coding change: c.3076T>G on transcript NM_000138.5 (MANE Select); coding-DNA position 3076, T replaced by G.
Protein change: p.Phe1026Val; replaces phenylalanine 1026 with valine.
Molecular consequence: missense variant.
Genome position (GRCh38, 1-based): chr15:48,489,857, A>C on the plus strand (T>G on the coding strand, the complement: FBN1 is on the minus strand). VCF-style: chr15-48489857-A-C. GRCh37 (hg19) VCF-style: chr15-48782054-A-C.
Other names: short protein forms F1026V.
Identifiers: ClinVar variation 924838 (VCV000924838.4), dbSNP rs2043541729, ClinGen allele CA392328874.

ClinVar aggregate classification (germline): Uncertain significance (1 of 4 stars; one submission).

Conditions:
Familial thoracic aortic aneurysm and aortic dissection (TAAD). Also called: Thoracic aortic aneurysms and dissections. Identifiers: Orphanet 91387, MedGen C4707243, MONDO:0019625.

Submission:

Color Diagnostics, LLC DBA Color Health
Classification: Uncertain significance for Familial thoracic aortic aneurysm and aortic dissection. Last evaluated: 2024-03-06. Review status: criteria provided, single submitter. Criteria: ACMG Guidelines, 2015. Collection method: clinical testing. Allele origin: germline.
Comment: This missense variant replaces phenylalanine with valine at codon 1026 of the FBN1 protein. Computational prediction suggests that this variant may not impact protein structure and function (internally defined REVEL score threshold <= 0.5, PMID: 27666373). Splice site prediction tools suggest that this variant may not impact RNA splicing. To our knowledge, functional studies have not been performed for this variant. This variant has not been reported in individuals affected with cardiovascular disorders in the literature. This variant has not been identified in the general population by the Genome Aggregation Database (gnomAD). The available evidence is insufficient to determine the role of this variant in disease conclusively. Therefore, this variant is classified as a Variant of Uncertain Significance.